The following is an entry in ClinVar:

ClinVar aggregate classification (germline): Likely benign. Review status: criteria provided, multiple submitters, no conflicts (2 of 4 stars). 4 submissions from 4 submitters: Likely benign (4). Last evaluated 2025-08-20.

Conditions:
Cardiovascular phenotype. Identifiers: MedGen CN230736.
Catecholaminergic polymorphic ventricular tachycardia 1. Also called: VENTRICULAR TACHYCARDIA, CATECHOLAMINERGIC POLYMORPHIC, 1, WITH OR WITHOUT ATRIAL DYSFUNCTION AND/OR DILATED CARDIOMYOPATHY; VENTRICULAR TACHYCARDIA, STRESS-INDUCED POLYMORPHIC 1; RYR2-Related Catecholaminergic Polymorphic Ventricular Tachycardia. Identifiers: Orphanet 3286, MedGen C1631597, MONDO:0011484, OMIM 604772.
Catecholaminergic polymorphic ventricular tachycardia (CVPT). Also called: Catecholamine-induced polymorphic ventricular tachycardia. Identifiers: Orphanet 3286, MedGen C5574922, MONDO:0017990.
Cardiomyopathy (CMYO). Also called: Cardiomyopathies. Identifiers: Orphanet 167848, MedGen C0878544, MONDO:0004994, HP:0001638. Inheritance: Various modes of inheritance.

Allele frequency attached by ClinVar (database versions not stated): gnomAD exomes below 0.00001 and 0.00001; gnomAD 0.00001; TOPMed 0.00001; ESP Exome Variant Server 0.00008.
gnomAD v4.1: 5 of 1,613,710 alleles (0.00031%); highest among the groups gnomAD compares: African/African-American, 0.0027%; no homozygotes.

Submissions (4):

Labcorp Genetics (formerly Invitae), Labcorp
Classification: Likely benign for Catecholaminergic polymorphic ventricular tachycardia 1. Last evaluated: 2025-08-20. Review status: criteria provided, single submitter. Criteria: Invitae Variant Classification Sherloc (09022015). Collection method: clinical testing. Allele origin: germline.

Ambry Genetics
Classification: Likely benign for Cardiovascular phenotype. Last evaluated: 2023-07-23. Review status: criteria provided, single submitter. Criteria: Ambry Variant Classification Scheme 2023. Collection method: clinical testing. Allele origin: germline.

All of Us Research Program, National Institutes of Health
Classification: Likely benign for Catecholaminergic polymorphic ventricular tachycardia. Last evaluated: 2022-11-30. Review status: criteria provided, single submitter. Criteria: ACMG Guidelines, 2015. Collection method: clinical testing. Allele origin: germline. Inheritance: Autosomal dominant inheritance. Observed: 1 variant allele, 1 heterozygote.
Comment: This study involves interpretation of variants in research participants for the purpose of population health screening. Participant phenotype was not available at the time of variant classification. Additional details can be found in publication PMID: 35346344, PMCID: PMC8962531

Color Diagnostics, LLC DBA Color Health
Classification: Likely benign for Cardiomyopathy. Last evaluated: 2019-04-14. Review status: criteria provided, single submitter. Criteria: ACMG Guidelines, 2015. Collection method: clinical testing. Allele origin: germline.

NM_001035.3(RYR2):c.9627G>A (p.Pro3209=)

Gene: RYR2 (ryanodine receptor 2; plus strand). Cytogenetic location: 1q43.
Variant type: single nucleotide variant.
Coding change: c.9627G>A on transcript NM_001035.3 (MANE Select); coding-DNA position 9627, G replaced by A.
Protein change: p.Pro3209=; no amino-acid change (proline 3209 retained).
Molecular consequence: synonymous variant.
Genome position (GRCh38, 1-based): chr1:237,706,995, G>A. VCF-style: chr1-237706995-G-A. GRCh37 (hg19) VCF-style: chr1-237870295-G-A.
Other names: c.9627G>A (NM_001035.2).
Identifiers: ClinVar variation 926261 (VCV000926261.13), dbSNP rs377730320, ClinGen allele CA39791690.